The following is an entry in ClinVar:

ClinVar aggregate classification (germline): Uncertain significance (1 of 4 stars; one submission).

Submission:

Women's Health and Genetics/Laboratory Corporation of America, LabCorp
Classification: Uncertain significance. Last evaluated: 2024-05-23. Review status: criteria provided, single submitter. Criteria: LabCorp Variant Classification Summary - May 2015. Collection method: clinical testing. Allele origin: germline.
Comment: Variant summary: The variant involves the duplication of exons 24-40 in the MYH2 gene. The exact breakpoint at the 3' end of this variant is unknown, therefore this duplication may extend downstream of the annotated region of the gene. As it duplicates the termination codon, its effect on the encoded protein is unknown. A presumed nomenclature of c.(2940+1_2941-1)_(*133_?)dup has been designated for the purposes of this classification. The variant was absent in 21686 control chromosomes (gnomAD). The available data on variant occurrences in the general population are insufficient to allow any conclusion about variant significance. To our knowledge, no occurrence of c.(2940+1_2941-1)_(*133_?)dup in individuals affected with Myopathy, Proximal, And Ophthalmoplegia and no experimental evidence demonstrating its impact on protein function have been reported. No submitters have cited clinical-significance assessments for this variant to ClinVar. Based on the evidence outlined above, the variant was classified as uncertain significance.

NC_000017.10:g.(?_10424464)_(10433058_10433148)dup

Gene: MYH2 (myosin heavy chain 2; minus strand). Cytogenetic location: 17p13.1.
Variant type: Duplication.
Identifiers: ClinVar variation 3336405 (VCV003336405.1).